The following is an entry in ClinVar:

NM_000052.7(ATP7A):c.3423T>A (p.Asn1141Lys)

Gene: ATP7A (ATPase copper transporting alpha; plus strand). Cytogenetic location: Xq21.1.
Variant type: single nucleotide variant.
Coding change: c.3423T>A on transcript NM_000052.7 (MANE Select); coding-DNA position 3423, T replaced by A.
Protein change: p.Asn1141Lys; replaces asparagine 1141 with lysine.
Molecular consequence: missense variant. On other transcripts: non-coding transcript variant (1).
Genome position (GRCh38, 1-based): chrX:78,033,733, T>A. VCF-style: chrX-78033733-T-A. GRCh37 (hg19) VCF-style: chrX-77289231-T-A.
Other names: p.Asn1141Lys; c.3423T>A (NM_000052.4); c.3189T>A, p.Asn1063Lys (NM_001282224.2); short protein forms N1141K, N1063K.
Identifiers: ClinVar variation 2952121 (VCV002952121.5), dbSNP rs1557237441, ClinGen allele CA413604131.

ClinVar aggregate classification (germline): Conflicting classifications of pathogenicity. Review status: criteria provided, conflicting classifications (1 of 4 stars). 3 submissions from 3 submitters: Uncertain significance (2); Benign (1). Last evaluated 2025-11-01.

Conditions:
Menkes kinky-hair syndrome (MNK). Also called: Classic Menkes Disease; Copper transport disease; Menkes Disease. Identifiers: Orphanet 565, MedGen C0022716, MONDO:0010651, OMIM 309400.
Cutis laxa, X-linked (OHS). Also called: EDS IX; Occipital horn syndrome. Identifiers: Orphanet 198, MedGen C0268353, MONDO:0010572, OMIM 304150.
X-linked distal spinal muscular atrophy type 3. Also called: ATP7A-Related Distal Motor Neuropathy; SPINAL MUSCULAR ATROPHY, DISTAL, X-LINKED RECESSIVE; NEURONOPATHY, DISTAL HEREDITARY MOTOR, X-LINKED; NEUROPATHY, DISTAL HEREDITARY MOTOR, X-LINKED. Identifiers: Orphanet 139557, MedGen C1845359, MONDO:0010338, OMIM 300489.

Allele frequency attached by ClinVar (database versions not stated): gnomAD 0.00001; TOPMed 0.00001.

Submissions (3):

Mayo Clinic Laboratories, Mayo Clinic
Classification: Uncertain significance. Last evaluated: 2025-11-01. Review status: criteria provided, single submitter. Criteria: ACMG Guidelines, 2015. Collection method: clinical testing. Allele origin: germline. Observed: 1 variant allele.
Comment: BS1

GeneDx
Classification: Uncertain significance. Last evaluated: 2023-11-10. Review status: criteria provided, single submitter. Criteria: GeneDx Variant Classification Process June 2021. Collection method: clinical testing. Allele origin: germline. Affected: yes.
Comment: Not observed at significant frequency in large population cohorts (gnomAD); In silico analysis supports that this missense variant does not alter protein structure/function; Has not been previously published as pathogenic or benign to our knowledge

Labcorp Genetics (formerly Invitae), Labcorp
Classification: Benign for X-linked distal spinal muscular atrophy type 3; Cutis laxa, X-linked; Menkes kinky-hair syndrome. Last evaluated: 2023-01-27. Review status: criteria provided, single submitter. Criteria: Invitae Variant Classification Sherloc (09022015). Collection method: clinical testing. Allele origin: germline.